The following is an entry in ClinVar:

NM_001709.5(BDNF):c.129G>A (p.Leu43=)

Genes: BDNF (brain derived neurotrophic factor; minus strand), BDNF-AS (BDNF antisense RNA; plus strand). Cytogenetic location: 11p14.1.
Variant type: single nucleotide variant.
Coding change: c.129G>A on transcript NM_001709.5 (MANE Select); coding-DNA position 129, G replaced by A.
Protein change: p.Leu43=; no amino-acid change (leucine 43 retained).
Molecular consequence: synonymous variant. On other transcripts: non-coding transcript variant (5).
Genome position (GRCh38, 1-based): chr11:27,658,436, C>T on the plus strand (G>A on the coding strand, the complement: BDNF is on the minus strand). VCF-style: chr11-27658436-C-T. GRCh37 (hg19) VCF-style: chr11-27679983-C-T.
Other names: c.129G>A, p.Leu43= (NM_001143805.1, NM_001143806.1, NM_001143807.2 and 9 more transcripts); c.216G>A, p.Leu72= (NM_001143809.2); c.375G>A, p.Leu125= (NM_001143810.2); c.153G>A, p.Leu51= (NM_170731.5); c.174G>A, p.Leu58= (NM_170734.4); c.375G>A (NM_001143810.1).
Identifiers: ClinVar variation 4911099 (VCV004911099.2).

ClinVar aggregate classification (germline): Likely benign. Review status: criteria provided, multiple submitters, no conflicts (2 of 4 stars). 2 submissions from 2 submitters: Likely benign (2). Last evaluated 2026-02-26.

Conditions:
BDNF-related disorder. Also called: BDNF-related condition.

gnomAD v4.1: 4 of 1,614,226 alleles (0.00025%); highest among the groups gnomAD compares: Non-Finnish European, 0.00034%; no homozygotes.

Submissions (2):

PreventionGenetics, part of Exact Sciences
Classification: Likely benign for BDNF-related condition. Last evaluated: 2026-02-26. Review status: criteria provided, single submitter. Criteria: ACMG Guidelines, 2015. Collection method: clinical testing. Allele origin: germline.
Comment: This variant is classified as likely benign based on ACMG/AMP sequence variant interpretation guidelines (Richards et al. 2015 PMID: 25741868, with internal and published modifications).

Blueprint Genetics
Classification: Likely benign. Last evaluated: 2021-09-03. Review status: criteria provided, single submitter. Criteria: ACMG Guidelines, 2015. Collection method: clinical testing. Allele origin: germline.